The following is an entry in ClinVar:

ClinVar aggregate classification (germline): Benign/Likely benign. Review status: criteria provided, multiple submitters, no conflicts (2 of 4 stars). 3 submissions from 3 submitters: Benign (1); Likely benign (2). Last evaluated 2026-04-28.

Conditions:
Colorectal cancer, hereditary nonpolyposis, type 7. Identifiers: Orphanet 144, MedGen C1858380, MONDO:0013725, OMIM 614385.

Allele frequency attached by ClinVar (database versions not stated): gnomAD 0.00003.
gnomAD v4.1: 3 of 1,613,926 alleles (0.00019%); highest among the groups gnomAD compares: African/African-American, 0.0013%; no homozygotes.

Submissions (3):

Myriad Genetics, Inc.
Classification: Benign for Colorectal cancer, hereditary nonpolyposis, type 7. Last evaluated: 2026-04-28. Review status: criteria provided, single submitter. Criteria: Myriad Autosomal Dominant, Autosomal Recessive and X-Linked Classification Criteria (2023). Collection method: clinical testing. Allele origin: unknown.
Comment: This variant is considered benign. This variant is a silent/synonymous amino acid change and it is not expected to impact splicing.

Labcorp Genetics (formerly Invitae), Labcorp
Classification: Likely benign for Colorectal cancer, hereditary nonpolyposis, type 7. Last evaluated: 2024-12-19. Review status: criteria provided, single submitter. Criteria: Invitae Variant Classification Sherloc (09022015). Collection method: clinical testing. Allele origin: germline.

Ambry Genetics
Classification: Likely benign. Last evaluated: 2020-02-03. Review status: criteria provided, single submitter. Criteria: Ambry Variant Classification Scheme 2023. Collection method: clinical testing. Allele origin: germline.

NM_001040108.2(MLH3):c.285G>A (p.Glu95=)

Gene: MLH3 (mutL homolog 3; minus strand). Cytogenetic location: 14q24.3.
Variant type: single nucleotide variant.
Coding change: c.285G>A on transcript NM_001040108.2 (MANE Select); coding-DNA position 285, G replaced by A.
Protein change: p.Glu95=; no amino-acid change (glutamic acid 95 retained).
Molecular consequence: synonymous variant.
Genome position (GRCh38, 1-based): chr14:75,049,371, C>T on the plus strand (G>A on the coding strand, the complement: MLH3 is on the minus strand). VCF-style: chr14-75049371-C-T. GRCh37 (hg19) VCF-style: chr14-75516074-C-T.
Other names: c.285G>A, p.Glu95= (NM_014381.3).
Identifiers: ClinVar variation 714888 (VCV000714888.12), dbSNP rs369067732, ClinGen allele CA487274300.
Genomic context (GRCh38, chr14:75,049,371, plus strand): 5'-CCTGTTTTTCTTGGACGAAATTTCCACAGCACTGGCCATGTCAGCAATATTTGCCAAGGC[C>T]TCTCCTCGGAAACCATAAAACCTTGGATTCTCCAAGTCCTGTACCGAGTGGCATTTACTG-3'
Protein context (NP_001035197.1, residues 85-105): ENPRFYGFRG[Glu95=]ALANIADMAS